The following is an entry in ClinVar:

ClinVar aggregate classification (germline): Likely benign. Review status: criteria provided, multiple submitters, no conflicts (2 of 4 stars). 2 submissions from 2 submitters: Likely benign (2). Last evaluated 2023-07-10.

Conditions:
Cardiomyopathy (CMYO). Also called: Cardiomyopathies. Identifiers: Orphanet 167848, MedGen C0878544, MONDO:0004994, HP:0001638. Inheritance: Various modes of inheritance.
Hypertrophic cardiomyopathy. Also called: HYPERTROPHIC MYOCARDIOPATHY. Identifiers: Orphanet 217569, MedGen C0007194, MeSH D002312, MONDO:0005045, HP:0001639.

Allele frequency attached by ClinVar (database versions not stated): gnomAD exomes below 0.00001.

Submissions (2):

All of Us Research Program, National Institutes of Health
Classification: Likely benign for Hypertrophic cardiomyopathy. Last evaluated: 2023-07-10. Review status: criteria provided, single submitter. Criteria: ACMG Guidelines, 2015. Collection method: clinical testing. Allele origin: germline. Inheritance: Autosomal dominant inheritance. Observed: 1 variant allele, 1 heterozygote.
Comment: This study involves interpretation of variants in research participants for the purpose of population health screening. Participant phenotype was not available at the time of variant classification. Additional details can be found in publication PMID: 35346344, PMCID: PMC8962531

Color Diagnostics, LLC DBA Color Health
Classification: Likely benign for Cardiomyopathy. Last evaluated: 2018-10-11. Review status: criteria provided, single submitter. Criteria: ACMG Guidelines, 2015. Collection method: clinical testing. Allele origin: germline.

NM_000363.5(TNNI3):c.*3C>T

Gene: TNNI3 (troponin I3, cardiac type; minus strand). Cytogenetic location: 19q13.42.
Variant type: single nucleotide variant.
Coding change: c.*3C>T on transcript NM_000363.5 (MANE Select); 3 bases downstream of the stop codon, C replaced by T.
Molecular consequence: 3 prime UTR variant.
Genome position (GRCh38, 1-based): chr19:55,151,831, G>A on the plus strand (C>T on the coding strand, the complement: TNNI3 is on the minus strand). VCF-style: chr19-55151831-G-A. GRCh37 (hg19) VCF-style: chr19-55663199-G-A.
Other names: c.*3C>T (LRG_432t1).
Identifiers: ClinVar variation 629455 (VCV000629455.3), dbSNP rs1568856984, ClinGen allele CA913189009.